The following is an entry in ClinVar:

ClinVar aggregate classification (germline): Likely benign. Review status: criteria provided, multiple submitters, no conflicts (2 of 4 stars). 2 submissions from 2 submitters: Likely benign (2). Last evaluated 2024-05-01.

Conditions:
Inborn genetic diseases. Identifiers: MedGen C0950123, MeSH D030342.

Allele frequency attached by ClinVar (database versions not stated): ExAC 0.00005; gnomAD 0.00005; gnomAD exomes 0.00006; TOPMed 0.00007.
gnomAD v4.1: 86 of 1,592,926 alleles (0.0054%); highest among the groups gnomAD compares: Middle Eastern, 0.017%; no homozygotes.

Submissions (2):

CeGaT Center for Human Genetics Tuebingen
Classification: Likely benign. Last evaluated: 2024-05-01. Review status: criteria provided, single submitter. Criteria: CeGaT Center For Human Genetics Tuebingen Variant Classification Criteria Version 2. Collection method: clinical testing. Allele origin: germline. Affected: yes. Observed: 1 variant allele.
Comment: POGZ: BP4, BP7

Ambry Genetics
Classification: Likely benign for Inborn genetic diseases. Last evaluated: 2019-12-08. Review status: criteria provided, single submitter. Criteria: Ambry Variant Classification Scheme 2023. Collection method: clinical testing. Allele origin: germline.

NM_015100.4(POGZ):c.2151G>A (p.Pro717=)

Gene: POGZ (pogo transposable element derived with ZNF domain; minus strand). Cytogenetic location: 1q21.3.
Variant type: single nucleotide variant.
Coding change: c.2151G>A on transcript NM_015100.4 (MANE Select); coding-DNA position 2151, G replaced by A.
Protein change: p.Pro717=; no amino-acid change (proline 717 retained).
Molecular consequence: synonymous variant.
Genome position (GRCh38, 1-based): chr1:151,408,492, C>T on the plus strand (G>A on the coding strand, the complement: POGZ is on the minus strand). VCF-style: chr1-151408492-C-T. GRCh37 (hg19) VCF-style: chr1-151380968-C-T.
Other names: c.2124G>A, p.Pro708= (NM_001194937.2); c.1965G>A, p.Pro655= (NM_001194938.2); c.2172G>A, p.Pro724= (NM_001410860.1); c.1866G>A, p.Pro622= (NM_145796.4); c.1992G>A, p.Pro664= (NM_207171.2).
Identifiers: ClinVar variation 1786762 (VCV001786762.21), dbSNP rs756831445, ClinGen allele CA1091256.